The following is an entry in ClinVar:

ClinVar aggregate classification (germline): Uncertain significance (1 of 4 stars; one submission).

Conditions:
Hereditary cancer-predisposing syndrome. Also called: Neoplastic Syndromes, Hereditary; Tumor predisposition; Hereditary Cancer Syndrome; Hereditary neoplastic syndrome. Identifiers: Orphanet 140162, MedGen C0027672, MeSH D009386, MONDO:0015356.

Submission:

Ambry Genetics
Classification: Uncertain significance for Hereditary cancer-predisposing syndrome. Last evaluated: 2024-12-08. Review status: criteria provided, single submitter. Criteria: Ambry Variant Classification Scheme 2023. Collection method: clinical testing. Allele origin: germline.
Comment: The p.P715L variant (also known as c.2144C>T), located in coding exon 12 of the RET gene, results from a C to T substitution at nucleotide position 2144. The proline at codon 715 is replaced by leucine, an amino acid with similar properties. This amino acid position is conserved. In addition, this alteration is predicted to be deleterious by in silico analysis. Based on the available evidence, the clinical significance of this variant remains unclear.

NM_020975.6(RET):c.2144C>T (p.Pro715Leu)

Gene: RET (ret proto-oncogene; plus strand). Cytogenetic location: 10q11.21.
Variant type: single nucleotide variant.
Coding change: c.2144C>T on transcript NM_020975.6 (MANE Select); coding-DNA position 2144, C replaced by T.
Protein change: p.Pro715Leu; replaces proline 715 with leucine.
Molecular consequence: missense variant.
Genome position (GRCh38, 1-based): chr10:43,116,591, C>T. VCF-style: chr10-43116591-C-T. GRCh37 (hg19) VCF-style: chr10-43612039-C-T.
Other names: c.1382C>T, p.Pro461Leu (NM_001355216.2); c.2144C>T, p.Pro715Leu (NM_001406743.1, NM_001406744.1, NM_001406759.1 and 2 more transcripts); c.2015C>T, p.Pro672Leu (NM_001406761.1, NM_001406762.1, NM_001406764.1); c.2009C>T, p.Pro670Leu (NM_001406763.1, NM_001406765.1); c.1856C>T, p.Pro619Leu (NM_001406766.1, NM_001406767.1, NM_001406770.1); c.1880C>T, p.Pro627Leu (NM_001406768.1); c.1748C>T, p.Pro583Leu (NM_001406769.1, NM_001406772.1); c.1706C>T, p.Pro569Leu (NM_001406771.1, NM_001406773.1); and 10 more; short protein forms P232L, P385L, P619L, P280L, P373L, P461L, P715L, P320L.
Identifiers: ClinVar variation 3432308 (VCV003432308.1).
Genomic context (GRCh38, chr10:43,116,591, plus strand): 5'-TCATCCTCACACTTTTCCCCCCTCTTCTCCCCCTTCCCTCATTTCCAACATAGGAGGATC[C>T]AAAGTGGGAATTCCCTCGGAAGAACTTGGTTCTTGGAAAAACTCTAGGAGAAGGCGAATT-3'
Protein context (NP_066124.1, residues 705-725): SVDAFKILED[Pro715Leu]KWEFPRKNLV